The following is an entry in ClinVar:

NC_000020.10:g.(?_30795725)_(31395729_?)dup

Genes: DNMT3B (DNA methyltransferase 3 beta; plus strand), C20orf203 (chromosome 20 open reading frame 203; minus strand), COMMD7 (COMM domain containing 7; minus strand), KIF3B (kinesin family member 3B; plus strand), POFUT1 (protein O-fucosyltransferase 1; plus strand) and 2 more. Cytogenetic location: 20q11.21.
Variant type: Duplication.
Identifiers: ClinVar variation 832109 (VCV000832109.5).

ClinVar aggregate classification (germline): Uncertain significance (1 of 4 stars; one submission).

Conditions:
Centromeric instability of chromosomes 1,9 and 16 and immunodeficiency (ICF1). Also called: Immunodeficiency-centromeric instability-facial anomalies; IMMUNE DEFICIENCY, VARIABLE, WITH CENTROMERIC INSTABILITY OF CHROMOSOMES 1, 9, AND 16; IMMUNODEFICIENCY SYNDROME, VARIABLE; CENTROMERIC INSTABILITY, IMMUNODEFICIENCY SYNDROME. Identifiers: Orphanet 2268, MedGen C0398788, MONDO:0000133.

Submission:

Labcorp Genetics (formerly Invitae), Labcorp
Classification: Uncertain significance for Centromeric instability of chromosomes 1,9 and 16 and immunodeficiency. Last evaluated: 2019-09-10. Review status: criteria provided, single submitter. Criteria: Invitae Variant Classification Sherloc (09022015). Collection method: clinical testing. Allele origin: germline.
Comment: This variant results in a copy number gain of the genomic region encompassing the full coding sequence of the DNMT3B gene. The boundaries of this event are unknown as they extend beyond the assayed region for this gene and therefore may encompass additional genes. As the precise location of this event is unknown, it may be in tandem or it may be located elsewhere in the genome. This variant has not been reported in the literature in individuals with DNMT3B-related conditions. In summary, the available evidence is currently insufficient to determine the role of this variant in disease. Therefore, it has been classified as a Variant of Uncertain Significance.